The following is an entry in ClinVar:

ClinVar aggregate classification (germline): Likely pathogenic. Review status: criteria provided, multiple submitters, no conflicts (2 of 4 stars). 3 submissions from 3 submitters: Likely pathogenic (3). Last evaluated 2025-04-01.

Conditions:
Hypertrophic cardiomyopathy. Also called: HYPERTROPHIC MYOCARDIOPATHY. Identifiers: Orphanet 217569, MedGen C0007194, MeSH D002312, MONDO:0005045, HP:0001639.

Submissions (3):

Labcorp Genetics (formerly Invitae), Labcorp
Classification: Likely pathogenic for Hypertrophic cardiomyopathy. Last evaluated: 2025-04-01. Review status: criteria provided, single submitter. Criteria: Invitae Variant Classification Sherloc (09022015). Collection method: clinical testing. Allele origin: germline.
Comment: This sequence change affects an acceptor splice site in intron 30 of the MYBPC3 gene. It is expected to disrupt RNA splicing. Variants that disrupt the donor or acceptor splice site typically lead to a loss of protein function (PMID: 16199547), and loss-of-function variants in MYBPC3 are known to be pathogenic (PMID: 19574547). This variant is not present in population databases (gnomAD no frequency). Disruption of this splice site has been observed in individual(s) with hypertrophic cardiomyopathy (PMID: 28640247). ClinVar contains an entry for this variant (Variation ID: 1878689). Algorithms developed to predict the effect of sequence changes on RNA splicing suggest that this variant may disrupt the consensus splice site. In summary, the currently available evidence indicates that the variant is pathogenic, but additional data are needed to prove that conclusively. Therefore, this variant has been classified as Likely Pathogenic.

Clinical Genetics Laboratory, Skane University Hospital Lund
Classification: Likely pathogenic. Last evaluated: 2024-02-29. Review status: criteria provided, single submitter. Criteria: ACMG Guidelines, 2015. Collection method: clinical testing. Allele origin: germline. Affected: yes.

GeneDx
Classification: Likely pathogenic. Last evaluated: 2022-07-12. Review status: criteria provided, single submitter. Criteria: GeneDx Variant Classification Process June 2021. Collection method: clinical testing. Allele origin: germline. Affected: yes.
Comment: Has been reported in association with HCM (Ho et al., 2018); Not observed at significant frequency in large population cohorts (gnomAD); In silico analysis supports a deleterious effect on splicing; This variant is associated with the following publications: (PMID: 30297972)

Literature cited by the submitters: PubMed 16199547 (cited by Labcorp Genetics (formerly Invitae), Labcorp); PubMed 19574547 (cited by Labcorp Genetics (formerly Invitae), Labcorp); PubMed 28640247 (cited by Labcorp Genetics (formerly Invitae), Labcorp).

NM_000256.3(MYBPC3):c.3331-2A>G

Gene: MYBPC3 (myosin binding protein C3; minus strand). Cytogenetic location: 11p11.2.
Variant type: single nucleotide variant.
Coding change: c.3331-2A>G on transcript NM_000256.3 (MANE Select); the canonical splice acceptor site of the intron before coding-DNA position 3331, A replaced by G.
Molecular consequence: splice acceptor variant.
Genome position (GRCh38, 1-based): chr11:47,332,975, T>C on the plus strand (A>G on the coding strand, the complement: MYBPC3 is on the minus strand). VCF-style: chr11-47332975-T-C. GRCh37 (hg19) VCF-style: chr11-47354526-T-C.
Identifiers: ClinVar variation 1878689 (VCV001878689.4), dbSNP rs869025469, ClinGen allele CA380313883.